The following is an entry in ClinVar:

NM_006294.5(UQCRB):c.118G>A (p.Glu40Lys)

Gene: UQCRB (ubiquinol-cytochrome c reductase binding protein; minus strand). Cytogenetic location: 8q22.1.
Variant type: single nucleotide variant.
Coding change: c.118G>A on transcript NM_006294.5 (MANE Select); coding-DNA position 118, G replaced by A.
Protein change: p.Glu40Lys; replaces glutamic acid 40 with lysine.
Molecular consequence: missense variant. On other transcripts: non-coding transcript variant (1).
Genome position (GRCh38, 1-based): chr8:96,231,914, C>T on the plus strand (G>A on the coding strand, the complement: UQCRB is on the minus strand). VCF-style: chr8-96231914-C-T. GRCh37 (hg19) VCF-style: chr8-97244142-C-T.
Other names: c.22G>A, p.Glu8Lys (NM_001199975.3); c.118G>A, p.Glu40Lys (NM_001254752.2); short protein forms E40K, E8K.
Identifiers: ClinVar variation 3647677 (VCV003647677.2).
Genomic context (GRCh38, chr8:96,231,914, plus strand): 5'-TCCTGTCATTATAAAGGTTCTCAGGAAGTCTTCTTATGGCTTCTTTTACATCTTCATCCT[C>T]GTATATTGTATCATCTCGCATTAACCCTATGATAGATGACAAAGTTAGATTGCACATGCA-3'
Protein context (NP_006285.1, residues 30-50): LGLMRDDTIY[Glu40Lys]DEDVKEAIRR

ClinVar aggregate classification (germline): Uncertain significance (1 of 4 stars; one submission).

gnomAD v4.1: 17 of 1,613,494 alleles (0.0011%); highest among the groups gnomAD compares: South Asian, 0.014%; no homozygotes.

Submission:

Labcorp Genetics (formerly Invitae), Labcorp
Classification: Uncertain significance. Last evaluated: 2024-06-12. Review status: criteria provided, single submitter. Criteria: Invitae Variant Classification Sherloc (09022015). Collection method: clinical testing. Allele origin: germline.
Comment: This sequence change replaces glutamic acid, which is acidic and polar, with lysine, which is basic and polar, at codon 40 of the UQCRB protein (p.Glu40Lys). This variant is present in population databases (rs757827287, gnomAD 0.02%). This variant has not been reported in the literature in individuals affected with UQCRB-related conditions. An algorithm developed to predict the effect of missense changes on protein structure and function (PolyPhen-2) suggests that this variant is likely to be tolerated. In summary, the available evidence is currently insufficient to determine the role of this variant in disease. Therefore, it has been classified as a Variant of Uncertain Significance.